The following is an entry in ClinVar:

NM_006279.5(ST3GAL3):c.1038+786dup

Gene: ST3GAL3 (ST3 beta-galactoside alpha-2,3-sialyltransferase 3; plus strand). Cytogenetic location: 1p34.1.
Variant type: Duplication.
Coding change: c.1038+786dup on transcript NM_006279.5 (MANE Select); 786 bases into the intron after coding-DNA position 1038, one base duplicated (C; older notation c.1038+786dupC).
Molecular consequence: intron variant.
Genome position (GRCh38, 1-based): chr1:43,921,714, C duplicated; the last of 5 consecutive C bases (chr1:43,921,710-43,921,714); duplicating any one gives the same sequence. VCF-style (leftmost placement, unchanged base first): chr1-43921709-T-TC. GRCh37 (hg19) VCF-style: chr1-44387381-T-TC.
Other names: c.1245+786dup (NM_174963.5); c.1279+76dup (NM_001350619.2); c.1083+786dup (NM_174964.4); c.443-8418dup (NM_174965.4); c.*23-8418dup (NM_001270465.3); c.555-8418dup (NM_001270463.3); c.1200+786dup (NM_174968.5); c.907-8418dup (NM_001363573.2); and 14 more.
Identifiers: ClinVar variation 3257137 (VCV003257137.17).

ClinVar aggregate classification (germline): Benign (1 of 4 stars; one submission).

Submission:

CeGaT Center for Human Genetics Tuebingen
Classification: Benign. Last evaluated: 2025-12-01. Review status: criteria provided, single submitter. Criteria: CeGaT Center For Human Genetics Tuebingen Variant Classification Criteria Version 2. Collection method: clinical testing. Allele origin: germline. Affected: yes. Observed: 5 variant alleles.
Comment: ST3GAL3: BS1, BS2